The following is an entry in ClinVar:

ClinVar aggregate classification (germline): Uncertain significance (1 of 4 stars; one submission).

Conditions:
Primary dilated cardiomyopathy (DCM). Also called: Dilated Cardiomyopathy. Identifiers: Orphanet 217604, MedGen C0007193, MeSH D002311, MONDO:0005021, HP:0001644. Inheritance: Various modes of inheritance.

Submission:

Labcorp Genetics (formerly Invitae), Labcorp
Classification: Uncertain significance for Primary dilated cardiomyopathy. Last evaluated: 2019-12-11. Review status: criteria provided, single submitter. Criteria: Invitae Variant Classification Sherloc (09022015). Collection method: clinical testing. Allele origin: germline.
Comment: This variant is an in-frame deletion of the genomic region encompassing exon 13 of the NEBL gene. It preserves the integrity of the reading frame. This gross deletion of NEBL has not been reported in the literature in individuals with a NEBL-related disease. Experimental studies and prediction algorithms are not available for this variant, and the structural and functional significance of the deleted exon is currently unknown. In summary, this is a gross deletion of NEBL which has not previously been reported in affected individuals and has an uncertain effect on protein function. For these reasons it has been classified as a Variant of Uncertain Significance.

NC_000010.11:g.(?_20840729)_(20840859_?)del

Gene: NEBL (nebulette; minus strand). Cytogenetic location: 10p12.31.
Variant type: Deletion.
Identifiers: ClinVar variation 832998 (VCV000832998.2).